The following is an entry in ClinVar:

NM_004183.4(BEST1):c.1409C>T (p.Thr470Met)

Gene: BEST1 (bestrophin 1; plus strand). Cytogenetic location: 11q12.3.
Variant type: single nucleotide variant.
Coding change: c.1409C>T on transcript NM_004183.4 (MANE Select); coding-DNA position 1409, C replaced by T.
Protein change: p.Thr470Met; replaces threonine 470 with methionine.
Molecular consequence: missense variant. On other transcripts: non-coding transcript variant (1).
Genome position (GRCh38, 1-based): chr11:61,962,563, C>T. VCF-style: chr11-61962563-C-T. GRCh37 (hg19) VCF-style: chr11-61730035-C-T.
Other names: c.*304C>T (NM_001363592.2); c.437C>T, p.Thr146Met (NM_001363593.3); c.1229C>T, p.Thr410Met (NM_001139443.3, NM_001300787.2); c.1148C>T, p.Thr383Met (NM_001300786.2); c.1091C>T, p.Thr364Met (NM_001363591.3); short protein forms T146M, T364M, T383M, T410M, T470M.
Identifiers: ClinVar variation 2504986 (VCV002504986.3), dbSNP rs776730181, ClinGen allele CA6041054.

ClinVar aggregate classification (germline): Uncertain significance. Review status: criteria provided, multiple submitters, no conflicts (2 of 4 stars). 2 submissions from 2 submitters: Uncertain significance (2). Last evaluated 2025-01-23.

Allele frequency attached by ClinVar (database versions not stated): gnomAD 0.00001; ExAC 0.00002; gnomAD exomes 0.00002; TOPMed 0.00002.
gnomAD v4.1: 26 of 1,614,050 alleles (0.0016%); highest among the groups gnomAD compares: Middle Eastern, 0.016%; no homozygotes.

Submissions (2):

Labcorp Genetics (formerly Invitae), Labcorp
Classification: Uncertain significance. Last evaluated: 2025-01-23. Review status: criteria provided, single submitter. Criteria: Invitae Variant Classification Sherloc (09022015). Collection method: clinical testing. Allele origin: germline.
Comment: This sequence change replaces threonine, which is neutral and polar, with methionine, which is neutral and non-polar, at codon 470 of the BEST1 protein (p.Thr470Met). This variant is present in population databases (rs776730181, gnomAD 0.007%). This variant has not been reported in the literature in individuals affected with BEST1-related conditions. ClinVar contains an entry for this variant (Variation ID: 2504986). Invitae Evidence Modeling of protein sequence and biophysical properties (such as structural, functional, and spatial information, amino acid conservation, physicochemical variation, residue mobility, and thermodynamic stability) indicates that this missense variant is expected to disrupt BEST1 protein function with a positive predictive value of 95%. In summary, the available evidence is currently insufficient to determine the role of this variant in disease. Therefore, it has been classified as a Variant of Uncertain Significance.

GeneDx
Classification: Uncertain significance. Last evaluated: 2022-12-08. Review status: criteria provided, single submitter. Criteria: GeneDx Variant Classification Process June 2021. Collection method: clinical testing. Allele origin: germline. Affected: yes.
Comment: In silico analysis supports that this missense variant has a deleterious effect on protein structure/function; Has not been previously published as pathogenic or benign to our knowledge